The following is an entry in ClinVar:

NM_212550.5(BLOC1S3):c.460C>A (p.Leu154Met)

Gene: BLOC1S3 (biogenesis of lysosomal organelles complex 1 subunit 3; plus strand). Cytogenetic location: 19q13.32.
Variant type: single nucleotide variant.
Coding change: c.460C>A on transcript NM_212550.5 (MANE Select); coding-DNA position 460, C replaced by A.
Protein change: p.Leu154Met; replaces leucine 154 with methionine.
Molecular consequence: missense variant.
Genome position (GRCh38, 1-based): chr19:45,179,756, C>A. VCF-style: chr19-45179756-C-A. GRCh37 (hg19) VCF-style: chr19-45683014-C-A.
Other names: short protein forms L154M.
Identifiers: ClinVar variation 3355150 (VCV003355150.1).

ClinVar aggregate classification (germline): Uncertain significance (0 of 4 stars; one submission).

Conditions:
BLOC1S3-related disorder. Also called: BLOC1S3-related condition.

gnomAD v4.1: 14 of 1,480,686 alleles (0.00095%); highest among the groups gnomAD compares: African/African-American, 0.019%; no homozygotes.

Submission:

PreventionGenetics, part of Exact Sciences
Classification: Uncertain significance for BLOC1S3-related condition. Last evaluated: 2024-04-01. Review status: no assertion criteria provided. Collection method: clinical testing. Allele origin: germline.
Comment: The BLOC1S3 c.460C>A variant is predicted to result in the amino acid substitution p.Leu154Met. To our knowledge, this variant has not been reported in the literature. This variant is reported in 0.0097% of alleles in individuals of African descent in gnomAD. At this time, the clinical significance of this variant is uncertain due to the absence of conclusive functional and genetic evidence.